The following is an entry in ClinVar:

NM_000264.5(PTCH1):c.394+6A>T

Gene: PTCH1 (patched 1; minus strand). Cytogenetic location: 9q22.32.
Variant type: single nucleotide variant.
Coding change: c.394+6A>T on transcript NM_000264.5 (MANE Select); 6 bases into the intron after coding-DNA position 394, A replaced by T.
Molecular consequence: intron variant.
Genome position (GRCh38, 1-based): chr9:95,506,401, T>A on the plus strand (A>T on the coding strand, the complement: PTCH1 is on the minus strand). VCF-style: chr9-95506401-T-A. GRCh37 (hg19) VCF-style: chr9-98268683-T-A.
Other names: c.391+6A>T (NM_001083603.3); c.196+6A>T (NM_001083602.3, NM_001354919.2); c.394+6A>T (NM_001354918.2); c.-60+6A>T (NM_001083605.3, NM_001083604.3, NM_001083606.3 and 1 more transcripts).
Identifiers: ClinVar variation 2858083 (VCV002858083.3), dbSNP rs1843645338, ClinGen allele CA466103587.

ClinVar aggregate classification (germline): Uncertain significance (1 of 4 stars; one submission).

Conditions:
Gorlin syndrome. Also called: Nevoid Basal Cell Carcinoma Syndrome; Basal cell nevus syndrome. Identifiers: Orphanet 377, MedGen C0004779, MONDO:0007187.

Submission:

Labcorp Genetics (formerly Invitae), Labcorp
Classification: Uncertain significance for Gorlin syndrome. Last evaluated: 2023-04-21. Review status: criteria provided, single submitter. Criteria: Invitae Variant Classification Sherloc (09022015). Collection method: clinical testing. Allele origin: germline.
Comment: This variant is not present in population databases (gnomAD no frequency). This variant has not been reported in the literature in individuals affected with PTCH1-related conditions. Variants that disrupt the consensus splice site are a relatively common cause of aberrant splicing (PMID: 17576681, 9536098). Algorithms developed to predict the effect of sequence changes on RNA splicing suggest that this variant is not likely to affect RNA splicing. In summary, the available evidence is currently insufficient to determine the role of this variant in disease. Therefore, it has been classified as a Variant of Uncertain Significance. This sequence change falls in intron 2 of the PTCH1 gene. It does not directly change the encoded amino acid sequence of the PTCH1 protein. It affects a nucleotide within the consensus splice site.

Literature cited by the submitters: PubMed 17576681; PubMed 9536098.